The following is an entry in ClinVar:

ClinVar aggregate classification (germline): Pathogenic (1 of 4 stars; one submission).

Conditions:
Neurofibromatosis, type 1 (NF1). Also called: Peripheral type neurofibromatosis; VON RECKLINGHAUSEN DISEASE; NEUROFIBROMATOSIS, TYPE I, SOMATIC; Neurofibromatosis, type I. Identifiers: Orphanet 636, MedGen C0027831, MONDO:0018975, OMIM 162200. Disease mechanism: loss of function.

Submission:

Labcorp Genetics (formerly Invitae), Labcorp
Classification: Pathogenic for Neurofibromatosis, type 1. Last evaluated: 2023-12-19. Review status: criteria provided, single submitter. Criteria: Invitae Variant Classification Sherloc (09022015). Collection method: clinical testing. Allele origin: germline.
Comment: This sequence change creates a premature translational stop signal (p.Leu560Phefs*5) in the NF1 gene. It is expected to result in an absent or disrupted protein product. Loss-of-function variants in NF1 are known to be pathogenic (PMID: 10712197, 23913538). This variant is not present in population databases (gnomAD no frequency). This variant has not been reported in the literature in individuals affected with NF1-related conditions. Algorithms developed to predict the effect of sequence changes on RNA splicing suggest that this variant may disrupt the consensus splice site. For these reasons, this variant has been classified as Pathogenic.

Literature cited by the submitters: PubMed 10712197; PubMed 23913538.

NM_001042492.3(NF1):c.1679dup (p.Leu560fs)

Gene: NF1 (neurofibromin 1; plus strand). Cytogenetic location: 17q11.2.
Variant type: Duplication.
Coding change: c.1679dup on transcript NM_001042492.3 (MANE Select); coding-DNA position 1679, one base duplicated (T; older notation c.1679dupT).
Protein change: p.Leu560fs; shifts the reading frame from leucine 560.
Molecular consequence: frameshift variant.
Genome position (GRCh38, 1-based): chr17:31,221,887, T duplicated; the last of 3 consecutive T bases (chr17:31,221,885-31,221,887); duplicating any one gives the same sequence. VCF-style (leftmost placement, unchanged base first): chr17-31221884-A-AT. GRCh37 (hg19) VCF-style: chr17-29548902-A-AT.
Other names: c.1679dup, p.Leu560Phefs (NM_000267.4); c.1679dup, p.Leu560fs (NM_001128147.3); short protein forms L560fs.
Identifiers: ClinVar variation 2704098 (VCV002704098.3), dbSNP rs2508108674, ClinGen allele CA2697559706.